The following is an entry in ClinVar:

NM_003334.4(UBA1):c.679-33C>G

Gene: UBA1 (ubiquitin like modifier activating enzyme 1; plus strand). Cytogenetic location: Xp11.3.
Variant type: single nucleotide variant.
Coding change: c.679-33C>G on transcript NM_003334.4 (MANE Select); 33 bases into the intron before coding-DNA position 679, C replaced by G.
Molecular consequence: intron variant.
Genome position (GRCh38, 1-based): chrX:47,201,445, C>G. VCF-style: chrX-47201445-C-G. GRCh37 (hg19) VCF-style: chrX-47060844-C-G.
Other names: c.679-33C>G (NM_153280.3).
Identifiers: ClinVar variation 670263 (VCV000670263.5), dbSNP rs4239963, ClinGen allele CA10395734.

ClinVar aggregate classification (germline): Benign. Review status: criteria provided, multiple submitters, no conflicts (2 of 4 stars). 4 submissions from 4 submitters: Benign (4). Last evaluated 2024-01-24.

Conditions:
Infantile-onset X-linked spinal muscular atrophy. Also called: ARTHROGRYPOSIS, X-LINKED, TYPE I; AMC, DISTAL, X-LINKED; SPINAL MUSCULAR ATROPHY, X-LINKED LETHAL INFANTILE; Spinal Muscular Atrophy, X-Linked Infantile; Spinal muscular atrophy, X-linked 2. Identifiers: Orphanet 1145, MedGen C1844934, MONDO:0010532, OMIM 301830.

Allele frequency attached by ClinVar (database versions not stated): ESP Exome Variant Server 0.27473; gnomAD 0.29685 and 0.30675; TOPMed 0.31824; gnomAD exomes 0.33520 and 0.38208; ExAC 0.37095; 1000 Genomes Project 0.37854; 1000 Genomes Project 30x 0.37856.
gnomAD v4.1: 402,650 of 1,208,366 alleles (33%); highest among the groups gnomAD compares: South Asian, 58%; 46,408 homozygotes.

Submissions (4):

Unidad de Genómica Garrahan, Hospital de Pediatría Garrahan
Classification: Benign. Last evaluated: 2024-01-24. Review status: criteria provided, single submitter. Criteria: ACMG Guidelines, 2015. Collection method: clinical testing. Allele origin: germline. Affected: no. Observed: 60 variant alleles.
Comment: This variant is classified as Benign based on local population frequency. This variant was detected in 63% of patients studied by a panel of primary immunodeficiencies. Number of patients: 60. Only high quality variants are reported.

Genome-Nilou Lab
Classification: Benign for Infantile-onset X-linked spinal muscular atrophy. Last evaluated: 2021-12-05. Review status: criteria provided, single submitter. Criteria: ACMG Guidelines, 2015. Collection method: clinical testing. Allele origin: germline. Affected: no.

GeneDx
Classification: Benign. Last evaluated: 2018-06-14. Review status: criteria provided, single submitter. Criteria: GeneDx Variant Classification (06012015). Collection method: clinical testing. Allele origin: germline. Affected: yes.
Comment: This variant is considered likely benign or benign based on one or more of the following criteria: it is a conservative change, it occurs at a poorly conserved position in the protein, it is predicted to be benign by multiple in silico algorithms, and/or has population frequency not consistent with disease.

Breakthrough Genomics
Classification: Benign. Review status: criteria provided, single submitter. Criteria: ACMG Guidelines, 2015. Collection method: not provided. Allele origin: germline. Inheritance: Other. Affected: yes.